The following is an entry in ClinVar:

ClinVar aggregate classification (germline): Benign/Likely benign. Review status: criteria provided, multiple submitters, no conflicts (2 of 4 stars). 5 submissions from 5 submitters: Benign (3); Likely benign (2). Last evaluated 2025-12-28.

Conditions:
Hypogonadotropic hypogonadism 13 with or without anosmia (HH13). Also called: KISS1-Related GnRH Deficiency. Identifiers: Orphanet 432, MedGen C3541462, MONDO:0013915, OMIM 614842.

Allele frequency attached by ClinVar (database versions not stated): ESP Exome Variant Server 0.00272; gnomAD 0.00578; TOPMed 0.00707; 1000 Genomes Project 0.00799; 1000 Genomes Project 30x 0.00812.
gnomAD v4.1: 1,865 of 1,584,608 alleles (0.12%); highest among the groups gnomAD compares: African/African-American, 2.2%; 14 homozygotes.

Submissions (5):

Labcorp Genetics (formerly Invitae), Labcorp
Classification: Benign. Last evaluated: 2025-12-28. Review status: criteria provided, single submitter. Criteria: Invitae Variant Classification Sherloc (09022015). Collection method: clinical testing. Allele origin: germline.

Blueprint Genetics
Classification: Likely benign. Last evaluated: 2024-11-11. Review status: criteria provided, single submitter. Criteria: ACMG Guidelines, 2015. Collection method: clinical testing. Allele origin: germline.

GeneDx
Classification: Benign. Last evaluated: 2020-10-12. Review status: criteria provided, single submitter. Criteria: GeneDx Variant Classification Process June 2021. Collection method: clinical testing. Allele origin: germline. Affected: yes.
Comment: This variant is associated with the following publications: (PMID: 33089319, 20237166, 22230814, 21880801)

Mendelics
Classification: Likely benign for Hypogonadotropic hypogonadism 13 with or without anosmia. Last evaluated: 2019-05-28. Review status: criteria provided, single submitter. Criteria: Mendelics Assertion Criteria 2017. Collection method: clinical testing. Allele origin: unknown.

Eurofins Ntd Llc (ga)
Classification: Benign. Last evaluated: 2017-04-18. Review status: criteria provided, single submitter. Criteria: EGL Classification Definitions 2015. Collection method: clinical testing. Allele origin: germline. Observed: 1 variant allele, 1 heterozygote.

NM_002256.4(KISS1):c.268C>G (p.His90Asp)

Gene: KISS1 (KiSS-1 metastasis suppressor; minus strand). Cytogenetic location: 1q32.1.
Variant type: single nucleotide variant.
Coding change: c.268C>G on transcript NM_002256.4 (MANE Select); coding-DNA position 268, C replaced by G.
Protein change: p.His90Asp; replaces histidine 90 with aspartic acid.
Molecular consequence: missense variant.
Genome position (GRCh38, 1-based): chr1:204,190,633, G>C on the plus strand (C>G on the coding strand, the complement: KISS1 is on the minus strand). VCF-style: chr1-204190633-G-C. GRCh37 (hg19) VCF-style: chr1-204159761-G-C.
Other names: short protein forms H90D.
Identifiers: ClinVar variation 501504 (VCV000501504.17), dbSNP rs201073751, ClinGen allele CA1345140.